The following is an entry in ClinVar:

ClinVar aggregate classification (germline): Uncertain significance (1 of 4 stars; one submission).

Submission:

GeneDx
Classification: Uncertain significance. Last evaluated: 2025-02-03. Review status: criteria provided, single submitter. Criteria: GeneDx Variant Classification Process June 2021. Collection method: clinical testing. Allele origin: germline.
Comment: In silico analysis indicates that this missense variant does not alter protein structure/function; Has not been previously published as pathogenic or benign to our knowledge

NM_000899.5(KITLG):c.550A>G (p.Met184Val)

Gene: KITLG (KIT ligand; minus strand). Cytogenetic location: 12q21.32.
Variant type: single nucleotide variant.
Coding change: c.550A>G on transcript NM_000899.5 (MANE Select); coding-DNA position 550, A replaced by G.
Protein change: p.Met184Val; replaces methionine 184 with valine.
Molecular consequence: missense variant. On other transcripts: intron variant (1).
Genome position (GRCh38, 1-based): chr12:88,515,588, T>C on the plus strand (A>G on the coding strand, the complement: KITLG is on the minus strand). VCF-style: chr12-88515588-T-C. GRCh37 (hg19) VCF-style: chr12-88909365-T-C.
Other names: c.520+746A>G (NM_003994.6); short protein forms M184V.
Identifiers: ClinVar variation 3572512 (VCV003572512.2).